The following is an entry in ClinVar:

ClinVar aggregate classification (germline): Pathogenic (1 of 4 stars; one submission).

Submission:

Labcorp Genetics (formerly Invitae), Labcorp
Classification: Pathogenic. Last evaluated: 2023-08-09. Review status: criteria provided, single submitter. Criteria: Invitae Variant Classification Sherloc (09022015). Collection method: clinical testing. Allele origin: germline.
Comment: This sequence change creates a premature translational stop signal (p.Ser1208Lysfs*4) in the POLE gene. It is expected to result in an absent or disrupted protein product. Loss-of-function variants in POLE are known to be pathogenic (PMID: 23230001, 25948378, 30503519). This variant is not present in population databases (gnomAD no frequency). This variant has not been reported in the literature in individuals affected with POLE-related conditions. For these reasons, this variant has been classified as Pathogenic.

Literature cited by the submitters: PubMed 23230001; PubMed 25948378; PubMed 30503519.

NM_006231.4(POLE):c.3620dup (p.Ser1208fs)

Gene: POLE (DNA polymerase epsilon, catalytic subunit; minus strand). Cytogenetic location: 12q24.33.
Variant type: Duplication.
Coding change: c.3620dup on transcript NM_006231.4 (MANE Select); coding-DNA position 3620, one base duplicated (C; older notation c.3620dupC).
Protein change: p.Ser1208fs; shifts the reading frame from serine 1208.
Molecular consequence: frameshift variant.
Genome position (GRCh38, 1-based): chr12:132,649,852, G duplicated on the plus strand (C on the coding strand, the reverse complement: POLE is on the minus strand); the first of 2 consecutive G bases (chr12:132,649,852-132,649,853); duplicating either gives the same sequence. VCF-style (leftmost placement, unchanged base first): chr12-132649851-T-TG. GRCh37 (hg19) VCF-style: chr12-133226437-T-TG.
Other names: short protein forms S1208fs.
Identifiers: ClinVar variation 2751316 (VCV002751316.3), dbSNP rs2541955840, ClinGen allele CA2697551597.